The following is an entry in ClinVar:

ClinVar aggregate classification (germline): Likely benign (0 of 4 stars; one submission).

Conditions:
ASPA-related disorder. Also called: ASPA-related condition.

Allele frequency attached by ClinVar (database versions not stated): gnomAD 0.00001; gnomAD exomes 0.00002; TOPMed 0.00002.
gnomAD v4.1: 25 of 1,587,794 alleles (0.0016%); highest among the groups gnomAD compares: Non-Finnish European, 0.002%; 1 homozygote.

Submission:

PreventionGenetics, part of Exact Sciences
Classification: Likely benign for ASPA-related condition. Last evaluated: 2021-03-09. Review status: no assertion criteria provided. Collection method: clinical testing. Allele origin: germline.
Comment: This variant is classified as likely benign based on ACMG/AMP sequence variant interpretation guidelines (Richards et al. 2015 PMID: 25741868, with internal and published modifications).

NM_000049.4(ASPA):c.744+6A>G

Genes: ASPA (aspartoacylase; plus strand), SPATA22 (spermatogenesis associated 22; minus strand). Cytogenetic location: 17p13.2.
Variant type: single nucleotide variant.
Coding change: c.744+6A>G on transcript NM_000049.4 (MANE Select); 6 bases into the intron after coding-DNA position 744, A replaced by G.
Molecular consequence: intron variant.
Genome position (GRCh38, 1-based): chr17:3,494,465, A>G. VCF-style: chr17-3494465-A-G. GRCh37 (hg19) VCF-style: chr17-3397759-A-G.
Other names: c.-74+18947T>C (NM_001321336.2, NM_001321337.2); c.744+6A>G (NM_001128085.1).
Identifiers: ClinVar variation 3054801 (VCV003054801.2), dbSNP rs748011528, ClinGen allele CA287019397.